The following is an entry in ClinVar:

NM_001374353.1(GLI2):c.4335C>T (p.Asn1445=)

Gene: GLI2 (GLI family zinc finger 2; plus strand). Cytogenetic location: 2q14.2.
Variant type: single nucleotide variant.
Coding change: c.4335C>T on transcript NM_001374353.1 (MANE Select); coding-DNA position 4335, C replaced by T.
Protein change: p.Asn1445=; no amino-acid change (asparagine 1445 retained).
Molecular consequence: synonymous variant.
Genome position (GRCh38, 1-based): chr2:120,990,300, C>T. VCF-style: chr2-120990300-C-T. GRCh37 (hg19) VCF-style: chr2-121747876-C-T.
Other names: c.4386C>T, p.Asn1462= (NM_001371271.1, NM_005270.5); c.3960C>T, p.Asn1320= (NM_001374354.1).
Identifiers: ClinVar variation 736172 (VCV000736172.5), dbSNP rs751410259, ClinGen allele CA1852611.

ClinVar aggregate classification (germline): Likely benign. Review status: criteria provided, multiple submitters, no conflicts (2 of 4 stars). 3 submissions from 3 submitters: Likely benign (3). Last evaluated 2025-07-30.

Conditions:
GLI2-related disorder. Also called: GLI2-related condition; GLI2-related disorders.

Allele frequency attached by ClinVar (database versions not stated): gnomAD exomes below 0.00001 and 0.00001; ExAC 0.00001; gnomAD 0.00001; TOPMed 0.00001.
gnomAD v4.1: 12 of 1,613,596 alleles (0.00074%); highest among the groups gnomAD compares: Non-Finnish European, 0.001%; no homozygotes.

Submissions (3):

PreventionGenetics, part of Exact Sciences
Classification: Likely benign for GLI2-related condition. Last evaluated: 2025-07-30. Review status: criteria provided, single submitter. Criteria: ACMG Guidelines, 2015. Collection method: clinical testing. Allele origin: germline.
Comment: This variant is classified as likely benign based on ACMG/AMP sequence variant interpretation guidelines (Richards et al. 2015 PMID: 25741868, with internal and published modifications).

Blueprint Genetics
Classification: Likely benign. Last evaluated: 2022-03-15. Review status: criteria provided, single submitter. Criteria: ACMG Guidelines, 2015. Collection method: clinical testing. Allele origin: germline.

Labcorp Genetics (formerly Invitae), Labcorp
Classification: Likely benign. Last evaluated: 2018-03-29. Review status: criteria provided, single submitter. Criteria: Invitae Variant Classification Sherloc (09022015). Collection method: clinical testing. Allele origin: germline.